The following is an entry in ClinVar:

NM_001100913.3(PACS2):c.2704G>C (p.Ala902Pro)

Gene: PACS2 (phosphofurin acidic cluster sorting protein 2; plus strand). Cytogenetic location: 14q32.33.
Variant type: single nucleotide variant.
Coding change: c.2704G>C on transcript NM_001100913.3 (MANE Select); coding-DNA position 2704, G replaced by C.
Protein change: p.Ala902Pro; replaces alanine 902 with proline.
Molecular consequence: missense variant.
Genome position (GRCh38, 1-based): chr14:105,394,661, G>C. VCF-style: chr14-105394661-G-C. GRCh37 (hg19) VCF-style: chr14-105860998-G-C.
Other names: c.2704G>C (NM_001100913.2); c.2434G>C, p.Ala812Pro (NM_001243127.3); c.2659G>C, p.Ala887Pro (NM_015197.4); short protein forms A812P, A887P, A902P.
Identifiers: ClinVar variation 1563347 (VCV001563347.9), dbSNP rs143800881, ClinGen allele CA7389378.
Genomic context (GRCh38, chr14:105,394,661, plus strand): 5'-GCCGCGCAGTGGTCCTCGCACGTGAAGCACTTCCCCATCTGCATCTTCGGACACTCCAAG[G>C]CCACCTTCTAGCCCCACCCACCAGGGGGCCCACCTCCTGCCCCATGCTGTGAGGGGCCCA-3'
Protein context (NP_001094383.2, residues 892-904): FPICIFGHSK[Ala902Pro]TF

ClinVar aggregate classification (germline): Likely benign. Review status: criteria provided, multiple submitters, no conflicts (2 of 4 stars). 2 submissions from 2 submitters: Likely benign (2). Last evaluated 2026-05-15.

Conditions:
PACS2-related disorder. Also called: PACS2-related condition.

Allele frequency attached by ClinVar (database versions not stated): 1000 Genomes Project 0.00040; gnomAD 0.00044 and 0.00050; ESP Exome Variant Server 0.00046; 1000 Genomes Project 30x 0.00047; TOPMed 0.00062.
gnomAD v4.1: 140 of 1,610,696 alleles (0.0087%); highest among the groups gnomAD compares: African/African-American, 0.17%; no homozygotes.

Submissions (2):

PreventionGenetics, part of Exact Sciences
Classification: Likely benign for PACS2-related condition. Last evaluated: 2026-05-15. Review status: criteria provided, single submitter. Criteria: ACMG Guidelines, 2015. Collection method: clinical testing. Allele origin: germline.
Comment: This variant is classified as likely benign based on ACMG/AMP sequence variant interpretation guidelines (Richards et al. 2015 PMID: 25741868, with internal and published modifications).

Labcorp Genetics (formerly Invitae), Labcorp
Classification: Likely benign. Last evaluated: 2026-01-11. Review status: criteria provided, single submitter. Criteria: Invitae Variant Classification Sherloc (09022015). Collection method: clinical testing. Allele origin: germline.